The following is an entry in ClinVar:

ClinVar aggregate classification (germline): Benign/Likely benign. Review status: criteria provided, multiple submitters, no conflicts (2 of 4 stars). 13 submissions from 10 submitters: Benign (6); Likely benign (3). 4 of the submissions do not count toward it. Last evaluated 2026-09-01.

Conditions:
Autosomal recessive limb-girdle muscular dystrophy type 2J (LGMDR10). Also called: Limb-girdle muscular dystrophy, type 2J; MUSCULAR DYSTROPHY, LIMB-GIRDLE, AUTOSOMAL RECESSIVE 10. Identifiers: Orphanet 140922, MedGen C1837342, MONDO:0012127, OMIM 608807.
Dilated cardiomyopathy 1G (CMD1G). Identifiers: Orphanet 154, MedGen C1858763, MONDO:0011400, OMIM 604145.
Early-onset myopathy with fatal cardiomyopathy (CMYO5). Also called: Salih Myopathy; CONGENITAL MYOPATHY 5 WITH CARDIOMYOPATHY. Identifiers: Orphanet 289377, MedGen C2673677, MONDO:0012714, OMIM 611705. Disease mechanism: loss of function.
Myopathy, myofibrillar, 9, with early respiratory failure (MFM9). Also called: Myopathy, distal, with early respiratory failure, autosomal dominant; EDSTROM MYOPATHY; MYOPATHY, PROXIMAL, WITH EARLY RESPIRATORY MUSCLE INVOLVEMENT; Hereditary myopathy with early respiratory failure. Identifiers: Orphanet 178464, Orphanet 34521, MedGen C1863599, MONDO:0011362, OMIM 603689.
Tibial muscular dystrophy (TMD). Also called: Udd Distal Myopathy – Tibial Muscular Dystrophy; UDD MYOPATHY; Tibial muscular dystrophy, tardive. Identifiers: Orphanet 609, MedGen C1838244, MONDO:0010870, OMIM 600334.

Allele frequency attached by ClinVar (database versions not stated): gnomAD exomes 0.00100; ExAC 0.00125; ESP Exome Variant Server 0.00157; 1000 Genomes Project 30x 0.00187; gnomAD 0.00197.

Submissions (13):

CeGaT Center for Human Genetics Tuebingen
Classification: Likely benign. Last evaluated: 2026-09-01. Review status: criteria provided, single submitter. Criteria: CeGaT Center For Human Genetics Tuebingen Variant Classification Criteria Version 2. Collection method: clinical testing. Allele origin: germline. Affected: yes. Observed: 17 variant alleles.
Comment: TTN: BP4, BS2

Blueprint Genetics
Classification: Benign. Last evaluated: 2024-11-26. Review status: criteria provided, single submitter. Criteria: ACMG Guidelines, 2015. Collection method: clinical testing. Allele origin: germline.

Labcorp Genetics (formerly Invitae), Labcorp
Classification: Benign for Dilated cardiomyopathy 1G; Autosomal recessive limb-girdle muscular dystrophy type 2J. Last evaluated: 2024-10-21. Review status: criteria provided, single submitter. Criteria: Invitae Variant Classification Sherloc (09022015). Collection method: clinical testing. Allele origin: germline.

Genome-Nilou Lab
Classification: Benign for Autosomal recessive limb-girdle muscular dystrophy type 2J. Last evaluated: 2021-09-10. Review status: criteria provided, single submitter. Criteria: ACMG Guidelines, 2015. Collection method: clinical testing. Allele origin: germline. Affected: no.

Genome-Nilou Lab
Classification: Benign for Myopathy, myofibrillar, 9, with early respiratory failure. Last evaluated: 2021-09-10. Review status: criteria provided, single submitter. Criteria: ACMG Guidelines, 2015. Collection method: clinical testing. Allele origin: germline. Affected: no.

Genome-Nilou Lab
Classification: Benign for Early-onset myopathy with fatal cardiomyopathy. Last evaluated: 2021-09-10. Review status: criteria provided, single submitter. Criteria: ACMG Guidelines, 2015. Collection method: clinical testing. Allele origin: germline. Affected: no.

Genome-Nilou Lab
Classification: Benign for Tibial muscular dystrophy. Last evaluated: 2021-09-10. Review status: criteria provided, single submitter. Criteria: ACMG Guidelines, 2015. Collection method: clinical testing. Allele origin: germline. Affected: no.

Biesecker Lab/Clinical Genomics Section, National Institutes of Health
Classification: Likely benign. Last evaluated: 2013-06-24. Review status: criteria provided, single submitter. Criteria: Ng et al. (Circ Cardiovasc Genet. 2013). Collection method: research. Allele origin: unknown. Observed: 1 variant allele. Study: ClinSeq.
Comment: The study set was not selected for affection status in relation to any cancer. Pathogenicity categories were based on literature curation. See Pubmed ID:23861362 for details.

Medical sequencing

Breakthrough Genomics
Classification: Likely benign. Review status: criteria provided, single submitter. Criteria: ACMG Guidelines, 2015. Collection method: not provided. Allele origin: germline. Inheritance: Autosomal recessive inheritance. Affected: yes.

Clinical Genetics DNA and cytogenetics Diagnostics Lab, Erasmus MC, Erasmus Medical Center
Classification: Likely benign. Review status: no assertion criteria provided. Collection method: clinical testing. Allele origin: germline. Affected: yes. Study: VKGL Data-share Consensus. Not counted in ClinVar's aggregate classification.

Diagnostic Laboratory, Department of Genetics, University Medical Center Groningen
Classification: Likely benign. Review status: no assertion criteria provided. Collection method: clinical testing. Allele origin: germline. Affected: yes. Study: VKGL Data-share Consensus. Not counted in ClinVar's aggregate classification.

Genome Diagnostics Laboratory, University Medical Center Utrecht
Classification: Likely benign. Review status: no assertion criteria provided. Collection method: clinical testing. Allele origin: germline. Affected: yes. Study: VKGL Data-share Consensus. Not counted in ClinVar's aggregate classification.

Laboratory of Diagnostic Genome Analysis, Leiden University Medical Center (LUMC)
Classification: Likely benign. Review status: no assertion criteria provided. Collection method: clinical testing. Allele origin: germline. Affected: yes. Study: VKGL Data-share Consensus. Not counted in ClinVar's aggregate classification.

NM_001267550.2(TTN):c.37247C>T (p.Ser12416Leu)

Gene: TTN (titin; minus strand). Cytogenetic location: 2q31.2.
Variant type: single nucleotide variant.
Coding change: c.37247C>T on transcript NM_001267550.2 (MANE Select); coding-DNA position 37247, C replaced by T.
Protein change: p.Ser12416Leu; replaces serine 12416 with leucine.
Molecular consequence: missense variant. On other transcripts: intron variant (4).
Genome position (GRCh38, 1-based): chr2:178,661,797, G>A on the plus strand (C>T on the coding strand, the complement: TTN is on the minus strand). VCF-style: chr2-178661797-G-A. GRCh37 (hg19) VCF-style: chr2-179526524-G-A.
Other names: c.13283-19480C>T (NM_003319.4); c.13859-19480C>T (NM_133437.4); c.13658-19480C>T (NM_133432.3); c.34354+1169C>T (NM_001256850.1); c.31573+1169C>T (NM_133378.4); short protein forms S12416L.
Identifiers: ClinVar variation 192171 (VCV000192171.61), dbSNP rs370765948, ClinGen allele CA238510.